The following is an entry in ClinVar:

NM_000051.4(ATM):c.4734_4736delinsCC (p.Gln1578fs)

Gene: ATM (ATM serine/threonine kinase; plus strand). Cytogenetic location: 11q22.3.
Variant type: Indel.
Coding change: c.4734_4736delinsCC on transcript NM_000051.4 (MANE Select); coding-DNA positions 4734 to 4736, GCA replaced by CC.
Protein change: p.Gln1578fs; shifts the reading frame from glutamine 1578.
Molecular consequence: frameshift variant.
Genome position (GRCh38, 1-based): chr11:108,293,435-108,293,437, GCA replaced by CC. VCF-style: chr11-108293435-GCA-CC. GRCh37 (hg19) VCF-style: chr11-108164162-GCA-CC.
Other names: c.4734_4736delinsCC, p.Gln1578fs (NM_001351834.2); short protein forms Q1578fs.
Identifiers: ClinVar variation 2673395 (VCV002673395.1), dbSNP rs2546931906, ClinGen allele CA2695199011.

ClinVar aggregate classification (germline): Pathogenic (1 of 4 stars; one submission).

Conditions:
Familial cancer of breast. Also called: Hereditary breast cancer; BREAST CANCER, FAMILIAL; hereditary breast carcinoma. Identifiers: Orphanet 227535, MedGen C0346153, MONDO:0016419, OMIM 114480. Disease mechanism: loss of function.

Submission:

Myriad Genetics, Inc.
Classification: Pathogenic for Familial cancer of breast. Last evaluated: 2023-07-05. Review status: criteria provided, single submitter. Criteria: Myriad Autosomal Dominant, Autosomal Recessive and X-Linked Classification Criteria (2023). Collection method: clinical testing. Allele origin: unknown.
Comment: This variant is considered pathogenic. This variant creates a frameshift predicted to result in premature protein truncation.